The following is an entry in ClinVar:

ClinVar aggregate classification (germline): Uncertain significance. Review status: criteria provided, multiple submitters, no conflicts (2 of 4 stars). 2 submissions from 2 submitters: Uncertain significance (2). Last evaluated 2022-06-30.

Conditions:
Inborn genetic diseases. Identifiers: MedGen C0950123, MeSH D030342.

Allele frequency attached by ClinVar (database versions not stated): ExAC 0.00001; gnomAD exomes 0.00001; TOPMed 0.00001; gnomAD 0.00003.

Submissions (2):

Ambry Genetics
Classification: Uncertain significance for Inborn genetic diseases. Last evaluated: 2022-06-30. Review status: criteria provided, single submitter. Criteria: Ambry Variant Classification Scheme 2023. Collection method: clinical testing. Allele origin: germline.

Labcorp Genetics (formerly Invitae), Labcorp
Classification: Uncertain significance. Last evaluated: 2021-12-02. Review status: criteria provided, single submitter. Criteria: Invitae Variant Classification Sherloc (09022015). Collection method: clinical testing. Allele origin: germline.
Comment: This sequence change replaces alanine, which is neutral and non-polar, with threonine, which is neutral and polar, at codon 543 of the ZNF335 protein (p.Ala543Thr). The frequency data for this variant in the population databases is considered unreliable, as metrics indicate poor data quality at this position in the gnomAD database. This variant has not been reported in the literature in individuals affected with ZNF335-related conditions. Algorithms developed to predict the effect of missense changes on protein structure and function (SIFT, PolyPhen-2, Align-GVGD) all suggest that this variant is likely to be tolerated. In summary, the available evidence is currently insufficient to determine the role of this variant in disease. Therefore, it has been classified as a Variant of Uncertain Significance.

NM_022095.4(ZNF335):c.1627G>A (p.Ala543Thr)

Gene: ZNF335 (zinc finger protein 335; minus strand). Cytogenetic location: 20q13.12.
Variant type: single nucleotide variant.
Coding change: c.1627G>A on transcript NM_022095.4 (MANE Select); coding-DNA position 1627, G replaced by A.
Protein change: p.Ala543Thr; replaces alanine 543 with threonine.
Molecular consequence: missense variant.
Genome position (GRCh38, 1-based): chr20:45,962,089, C>T on the plus strand (G>A on the coding strand, the complement: ZNF335 is on the minus strand). VCF-style: chr20-45962089-C-T. GRCh37 (hg19) VCF-style: chr20-44590728-C-T.
Other names: c.1627G>A (NM_022095.3); short protein forms A543T.
Identifiers: ClinVar variation 1427838 (VCV001427838.6), dbSNP rs558185545, ClinGen allele CA9885675.